The following is an entry in ClinVar:

ClinVar aggregate classification (germline): Conflicting classifications of pathogenicity. Review status: criteria provided, conflicting classifications (1 of 4 stars). 6 submissions from 6 submitters: Uncertain significance (1); Benign (1); Likely benign (4). Last evaluated 2026-01-24.

Conditions:
Dyskeratosis congenita. Identifiers: Orphanet 1775, MedGen C0265965, MONDO:0015780.
Cerebroretinal microangiopathy with calcifications and cysts 1 (CRMCC1). Identifiers: Orphanet 313838, MedGen C4552029, MONDO:0024564, OMIM 612199.

Allele frequency attached by ClinVar (database versions not stated): gnomAD 0.00001 and 0.00003; TOPMed 0.00003; gnomAD exomes 0.00012; ExAC 0.00015.
gnomAD v4.1: 110 of 1,612,884 alleles (0.0068%); highest among the groups gnomAD compares: South Asian, 0.086%; 1 homozygote.

Submissions (6):

Labcorp Genetics (formerly Invitae), Labcorp
Classification: Benign for Dyskeratosis congenita. Last evaluated: 2026-01-24. Review status: criteria provided, single submitter. Criteria: Invitae Variant Classification Sherloc (09022015). Collection method: clinical testing. Allele origin: germline.

Blueprint Genetics
Classification: Likely benign. Last evaluated: 2024-11-25. Review status: criteria provided, single submitter. Criteria: ACMG Guidelines, 2015. Collection method: clinical testing. Allele origin: germline.

CeGaT Center for Human Genetics Tuebingen
Classification: Likely benign. Last evaluated: 2023-10-01. Review status: criteria provided, single submitter. Criteria: CeGaT Center For Human Genetics Tuebingen Variant Classification Criteria Version 2. Collection method: clinical testing. Allele origin: germline. Affected: yes. Observed: 4 variant alleles.
Comment: CTC1: BP4, BP7

Sema4
Classification: Likely benign for Dyskeratosis congenita. Last evaluated: 2021-11-26. Review status: criteria provided, single submitter. Criteria: Sema4 Curation Guidelines. Collection method: curation. Allele origin: germline.

Genome-Nilou Lab
Classification: Likely benign for Cerebroretinal microangiopathy with calcifications and cysts 1. Last evaluated: 2021-07-15. Review status: criteria provided, single submitter. Criteria: ACMG Guidelines, 2015. Collection method: clinical testing. Allele origin: germline. Affected: no.

Illumina Laboratory Services, Illumina
Classification: Uncertain significance for Dyskeratosis congenita. Last evaluated: 2018-01-13. Review status: criteria provided, single submitter. Criteria: ICSL Variant Classification Criteria 13 December 2019. Collection method: clinical testing. Allele origin: germline.

NM_025099.6(CTC1):c.1548G>A (p.Pro516=)

Gene: CTC1 (CST telomere replication complex component 1; minus strand). Cytogenetic location: 17p13.1.
Variant type: single nucleotide variant.
Coding change: c.1548G>A on transcript NM_025099.6 (MANE Select); coding-DNA position 1548, G replaced by A.
Protein change: p.Pro516=; no amino-acid change (proline 516 retained).
Molecular consequence: synonymous variant. On other transcripts: non-coding transcript variant (1).
Genome position (GRCh38, 1-based): chr17:8,234,818, C>T on the plus strand (G>A on the coding strand, the complement: CTC1 is on the minus strand). VCF-style: chr17-8234818-C-T. GRCh37 (hg19) VCF-style: chr17-8138136-C-T.
Identifiers: ClinVar variation 706711 (VCV000706711.50), dbSNP rs781000475, ClinGen allele CA8372320.
Genomic context (GRCh38, chr17:8,234,818, plus strand): 5'-GGGACAGTGATGTGGCTCTTCAAGGATCTCATTGTGTGCATTCCGAACAGGGCTGCCTGG[C>T]GGAGCTAGAAGATCCAGGGTAGGAGCCAGGAGTTGCAGTCCCAGGCTGGGGCTCCCAGGA-3'
Protein context (NP_079375.3, residues 506-526): LLAPTLDLLA[Pro516=]PGSPVRNAHN